The following is an entry in ClinVar:

ClinVar aggregate classification (germline): Likely benign. Review status: criteria provided, multiple submitters, no conflicts (2 of 4 stars). 2 submissions from 2 submitters: Likely benign (2). Last evaluated 2025-01-23.

Conditions:
Early-infantile DEE. Also called: Early infantile epileptic encephalopathy with suppression bursts; Early infantile epileptic encephalopathy; Ohtahara syndrome. Identifiers: Orphanet 1934, MedGen C0393706, MONDO:0800491.

Allele frequency attached by ClinVar (database versions not stated): gnomAD 0.00001; TOPMed 0.00001; ExAC 0.00002; gnomAD exomes 0.00002 and 0.00003.
gnomAD v4.1: 42 of 1,613,794 alleles (0.0026%); highest among the groups gnomAD compares: Non-Finnish European, 0.0036%; no homozygotes.

Submissions (2):

Labcorp Genetics (formerly Invitae), Labcorp
Classification: Likely benign for Early-infantile DEE. Last evaluated: 2025-01-23. Review status: criteria provided, single submitter. Criteria: Invitae Variant Classification Sherloc (09022015). Collection method: clinical testing. Allele origin: germline.

Mayo Clinic Laboratories, Mayo Clinic
Classification: Likely benign. Last evaluated: 2025-01-20. Review status: criteria provided, single submitter. Criteria: ACMG Guidelines, 2015. Collection method: clinical testing. Allele origin: germline. Observed: 1 variant allele.
Comment: BP4, BP7

NM_006030.4(CACNA2D2):c.2775C>T (p.Tyr925=)

Genes: CACNA2D2 (calcium voltage-gated channel auxiliary subunit alpha2delta 2; minus strand), LOC101928965 (uncharacterized LOC101928965; plus strand), LOC127898564 (CYB561D2-LOC101928965; plus strand). Cytogenetic location: 3p21.31.
Variant type: single nucleotide variant.
Coding change: c.2775C>T on transcript NM_006030.4 (MANE Select); coding-DNA position 2775, C replaced by T.
Protein change: p.Tyr925=; no amino-acid change (tyrosine 925 retained).
Molecular consequence: synonymous variant.
Genome position (GRCh38, 1-based): chr3:50,366,098, G>A on the plus strand (C>T on the coding strand, the complement: CACNA2D2 is on the minus strand). VCF-style: chr3-50366098-G-A. GRCh37 (hg19) VCF-style: chr3-50403529-G-A.
Other names: p.Tyr925=; c.2775C>T, p.Tyr925= (NM_001005505.3); c.2796C>T, p.Tyr932= (NM_001174051.3); c.2568C>T, p.Tyr856= (NM_001291101.1).
Identifiers: ClinVar variation 1624794 (VCV001624794.10), dbSNP rs762405686, ClinGen allele CA2418372.
Genomic context (GRCh38, chr3:50,366,098, plus strand): 5'-CAGGTTGCCAGGGGGCTGAGGGGCACAGGCTGCCTGATAGTCATAGGACTCCTTGCGGGT[G>A]TAGAAGGAGTTATTGTAGAGTGCCAGCATCAGGTTGGCATCCACCTCACTGAAGAACCTG-3'
Protein context (NP_006021.2, residues 915-935): LMLALYNNSF[Tyr925=]TRKESYDYQA